The following is an entry in ClinVar:

NM_001330260.2(SCN8A):c.1832G>A (p.Arg611Gln)

Gene: SCN8A (sodium voltage-gated channel alpha subunit 8; plus strand). Cytogenetic location: 12q13.13.
Variant type: single nucleotide variant.
Coding change: c.1832G>A on transcript NM_001330260.2 (MANE Select); coding-DNA position 1832, G replaced by A.
Protein change: p.Arg611Gln; replaces arginine 611 with glutamine.
Molecular consequence: missense variant.
Genome position (GRCh38, 1-based): chr12:51,721,742, G>A. VCF-style: chr12-51721742-G-A. GRCh37 (hg19) VCF-style: chr12-52115526-G-A.
Other names: c.1832G>A, p.Arg611Gln (NM_001177984.3, NM_001369788.1, NM_014191.4); short protein forms R611Q.
Identifiers: ClinVar variation 964306 (VCV000964306.9), dbSNP rs866054004, ClinGen allele CA236266952.
Genomic context (GRCh38, chr12:51,721,742, plus strand): 5'-TGGAGGAGAGCGAGGGCCGCCGGGACTCCCTCTTCATCCCCATCCGGGCCCGCGAGCGCC[G>A]GAGCAGCTACAGCGGCTACAGCGGCTACAGCCAGGGCAGCCGCTCCTCGCGCATCTTCCC-3'
Protein context (NP_001317189.1, residues 601-621): LFIPIRARER[Arg611Gln]SSYSGYSGYS

ClinVar aggregate classification (germline): Uncertain significance. Review status: criteria provided, multiple submitters, no conflicts (2 of 4 stars). 2 submissions from 2 submitters: Uncertain significance (2). Last evaluated 2024-02-14.

Conditions:
Early-infantile DEE. Also called: Ohtahara syndrome; Early infantile epileptic encephalopathy with suppression bursts; Early infantile epileptic encephalopathy. Identifiers: Orphanet 1934, MedGen C0393706, MONDO:0800491.

Allele frequency attached by ClinVar (database versions not stated): gnomAD exomes below 0.00001 and 0.00001; gnomAD 0.00001; TOPMed 0.00003.
gnomAD v4.1: 7 of 1,606,432 alleles (0.00044%); highest among the groups gnomAD compares: African/African-American, 0.0013%; no homozygotes.

Submissions (2):

GeneDx
Classification: Uncertain significance. Last evaluated: 2024-02-14. Review status: criteria provided, single submitter. Criteria: GeneDx Variant Classification Process June 2021. Collection method: clinical testing. Allele origin: germline. Affected: yes.
Comment: In silico analysis supports that this missense variant has a deleterious effect on protein structure/function; Has not been previously published as pathogenic or benign to our knowledge; This substitution is predicted to be in the cytoplasmic loop between the first and second homologous domains

Labcorp Genetics (formerly Invitae), Labcorp
Classification: Uncertain significance for Early-infantile DEE. Last evaluated: 2023-08-20. Review status: criteria provided, single submitter. Criteria: Invitae Variant Classification Sherloc (09022015). Collection method: clinical testing. Allele origin: germline.
Comment: In summary, the available evidence is currently insufficient to determine the role of this variant in disease. Therefore, it has been classified as a Variant of Uncertain Significance. Advanced modeling of protein sequence and biophysical properties (such as structural, functional, and spatial information, amino acid conservation, physicochemical variation, residue mobility, and thermodynamic stability) performed at Invitae indicates that this missense variant is not expected to disrupt SCN8A protein function. ClinVar contains an entry for this variant (Variation ID: 964306). This variant has not been reported in the literature in individuals affected with SCN8A-related conditions. This variant is present in population databases (no rsID available, gnomAD 0.008%). This sequence change replaces arginine, which is basic and polar, with glutamine, which is neutral and polar, at codon 611 of the SCN8A protein (p.Arg611Gln).